The following is an entry in ClinVar:

NM_001244008.2(KIF1A):c.4909G>A (p.Glu1637Lys)

Gene: KIF1A (kinesin family member 1A; minus strand). Cytogenetic location: 2q37.3.
Variant type: single nucleotide variant.
Coding change: c.4909G>A on transcript NM_001244008.2 (MANE Select); coding-DNA position 4909, G replaced by A.
Protein change: p.Glu1637Lys; replaces glutamic acid 1637 with lysine.
Molecular consequence: missense variant.
Genome position (GRCh38, 1-based): chr2:240,719,886, C>T on the plus strand (G>A on the coding strand, the complement: KIF1A is on the minus strand). VCF-style: chr2-240719886-C-T. GRCh37 (hg19) VCF-style: chr2-241659303-C-T.
Other names: c.4633G>A, p.Glu1545Lys (NM_001320705.2, NM_001379649.1); c.4660G>A, p.Glu1554Lys (NM_001330289.2); c.4708G>A, p.Glu1570Lys (NM_001330290.2, NM_001379648.1); c.4984G>A, p.Glu1662Lys (NM_001379631.1); c.4885G>A, p.Glu1629Lys (NM_001379632.1); c.4882G>A, p.Glu1628Lys (NM_001379633.1, NM_001379645.1); c.4735G>A, p.Glu1579Lys (NM_001379634.1); c.4732G>A, p.Glu1578Lys (NM_001379635.1, NM_001379646.1); and 7 more; short protein forms E1637K, E1536K, E1545K, E1570K, E1554K, E1535K, E1544K, E1553K.
Identifiers: ClinVar variation 532868 (VCV000532868.29), dbSNP rs377032453, ClinGen allele CA2207251.

ClinVar aggregate classification (germline): Conflicting classifications of pathogenicity. Review status: criteria provided, conflicting classifications (1 of 4 stars). 8 submissions from 8 submitters: Uncertain significance (7); Likely benign (1). Last evaluated 2026-01-19.

Conditions:
Inborn genetic diseases. Identifiers: MedGen C0950123, MeSH D030342.
Intellectual disability, autosomal dominant 9 (NESCAVS). Also called: NESCAV SYNDROME; KIF1A-Related Neurodevelopmental Disorder. Identifiers: Orphanet 662367, MedGen C5393830, MONDO:0013656, OMIM 614255.
Neuropathy, hereditary sensory, type 2C. Also called: KIF1A-Related HSAN2 (HSAN2C); Hereditary sensory and autonomic neuropathy type IIC. Identifiers: Orphanet 970, MedGen C3280168, MONDO:0013634, OMIM 614213.
Neuropathy, hereditary sensory and autonomic, type 2A (HSAN2A). Also called: WNK1-Related HSAN2 (HSAN2A); MORVAN DISEASE; NEUROPATHY, CONGENITAL SENSORY; NEUROPATHY, HEREDITARY SENSORY RADICULAR, AUTOSOMAL RECESSIVE; NEUROPATHY, HEREDITARY SENSORY, TYPE IIA; NEUROPATHY, PROGRESSIVE SENSORY, OF CHILDREN. Identifiers: Orphanet 970, MedGen C2752089, MONDO:0024309, OMIM 201300.
Hereditary spastic paraplegia 30. Identifiers: Orphanet 101010, MedGen C5235139, MONDO:0012476.

Allele frequency attached by ClinVar (database versions not stated): gnomAD 0.00006 and 0.00007; TOPMed 0.00006; ESP Exome Variant Server 0.00008; gnomAD exomes 0.00010; ExAC 0.00013.
gnomAD v4.1: 100 of 1,611,692 alleles (0.0062%); highest among the groups gnomAD compares: Middle Eastern, 0.017%; no homozygotes.

Submissions (8):

Labcorp Genetics (formerly Invitae), Labcorp
Classification: Likely benign for Hereditary spastic paraplegia 30; Neuropathy, hereditary sensory, type 2C; Intellectual disability, autosomal dominant 9. Last evaluated: 2026-01-19. Review status: criteria provided, single submitter. Criteria: Invitae Variant Classification Sherloc (09022015). Collection method: clinical testing. Allele origin: germline.

GeneDx
Classification: Uncertain significance. Last evaluated: 2025-06-10. Review status: criteria provided, single submitter. Criteria: GeneDx Variant Classification Process June 2021. Collection method: clinical testing. Allele origin: germline. Affected: yes.
Comment: In silico analysis suggests that this missense variant does not alter protein structure/function; Has not been previously published as pathogenic or benign to our knowledge

Ambry Genetics
Classification: Uncertain significance for Inborn genetic diseases. Last evaluated: 2020-12-10. Review status: criteria provided, single submitter. Criteria: Ambry Variant Classification Scheme 2023. Collection method: clinical testing. Allele origin: germline.
Comment: The p.E1637K variant (also known as c.4909G>A), located in coding exon 45 of the KIF1A gene, results from a G to A substitution at nucleotide position 4909. The glutamic acid at codon 1637 is replaced by lysine, an amino acid with similar properties. This amino acid position is well conserved in available vertebrate species. In addition, this alteration is predicted to be tolerated by in silico analysis. Since supporting evidence is limited at this time, the clinical significance of this alteration remains unclear.

ARUP Laboratories, Molecular Genetics and Genomics, ARUP Laboratories
Classification: Uncertain significance. Last evaluated: 2020-03-13. Review status: criteria provided, single submitter. Criteria: ARUP Molecular Germline Variant Investigation Process. Collection method: clinical testing. Allele origin: germline.
Comment: The KIF1A c.4606G>A; p.Glu1536Lys variant (rs377032453), to our knowledge, is not reported in the medical literature but is reported in ClinVar (Variation ID: 532868). This variant is found in the general population with an overall allele frequency of 0.01% (26/276844 alleles) in the Genome Aggregation Database. The glutamate at codon 1536 is moderately conserved, and computational analyses (SIFT: damaging, PolyPhen-2: benign) predict conflicting effects of this variant on protein structure/function. However, due to limited information, the clinical significance of the p.Glu1536Lys variant is uncertain at this time.

Fulgent Genetics
Classification: Uncertain significance for Neuropathy, hereditary sensory and autonomic, type 2A; Spastic paraplegia 30A, autosomal dominant; Neuropathy, hereditary sensory, type 2C; Intellectual disability, autosomal dominant 9. Last evaluated: 2018-10-31. Review status: criteria provided, single submitter. Criteria: ACMG Guidelines, 2015. Collection method: clinical testing. Allele origin: unknown.

Baylor Genetics
Classification: Uncertain significance for Neuropathy, hereditary sensory, type 2C. Last evaluated: 2018-05-18. Review status: criteria provided, single submitter. Criteria: ACMG Guidelines, 2015. Collection method: clinical testing. Allele origin: unknown. Affected: yes.
Comment: This variant was determined to be of uncertain significance according to ACMG Guidelines, 2015 [PMID:25741868].

Illumina Laboratory Services, Illumina
Classification: Uncertain significance for Spastic paraplegia 30A, autosomal dominant. Last evaluated: 2018-01-12. Review status: criteria provided, single submitter. Criteria: ICSL Variant Classification Criteria 13 December 2019. Collection method: clinical testing. Allele origin: germline.

Neuberg Centre For Genomic Medicine, NCGM
Classification: Uncertain significance for Intellectual disability, autosomal dominant 9. Review status: criteria provided, single submitter. Criteria: ACMG Guidelines, 2015. Collection method: clinical testing. Allele origin: germline. Inheritance: Autosomal dominant inheritance. Affected: yes.
Comment: The missense variant c.4909G>A (p.Glu1637Lys) in KIF1A gene has not been reported previously as a pathogenic variant nor as a benign variant, to our knowledge. The p.Glu1637Lys variant has allele frequency 0.009% in gnomAD exomes and novel in 1000 Genomes. This variant has been reported to the ClinVar database as Uncertain Significance. The amino acid Glu at position 1637 is changed to a Lys changing protein sequence and it might alter its composition and physico-chemical properties. The amino acid change p.Glu1637Lys in KIF1A is predicted as conserved by GERP++ and PhyloP across 100 vertebrates. For these reasons, this variant has been classified as Uncertain Significance (VUS).